The following is an entry in ClinVar:

ClinVar aggregate classification (germline): Pathogenic. Review status: criteria provided, multiple submitters, no conflicts (2 of 4 stars). 2 submissions from 2 submitters: Pathogenic (2). Last evaluated 2026-08-03.

Conditions:
Combined immunodeficiency due to LRBA deficiency. Also called: Common variable immunodeficiency 8, with autoimmunity. Identifiers: Orphanet 445018, MedGen C3553512, MONDO:0013863, OMIM 614700.

Submissions (2):

Genelabs Medical  (pvt) Ltd
Classification: Pathogenic for Combined immunodeficiency due to LRBA deficiency. Last evaluated: 2026-08-03. Review status: criteria provided, single submitter. Criteria: ACMG Guidelines, 2015. Collection method: clinical testing. Allele origin: germline. Inheritance: Autosomal recessive inheritance. Affected: yes. Observed: 1 homozygote.
Comment: The nonsense variant NM_001364905.1(LRBA):c.6382C>T (p.Arg2128Ter) introduces a premature termination codon at amino acid position 2128 in exon 41 of 57. The resulting transcript is predicted to undergo nonsense-mediated decay, leading to loss of functional LRBA protein. LRBA has a definitive gene–disease association with combined immunodeficiency due to LRBA deficiency, and loss of function is the established disease mechanism (PMID: 26768763). Consistent with this mechanism, 174 pathogenic or likely pathogenic loss-of-function variants have been reported in LRBA, including 37 pathogenic or likely pathogenic truncating variants downstream of this position, with the most distal pathogenic truncating variant located 680 amino acids downstream, indicating that truncating variants in this region are pathogenic. The variant is absent from population databases such as gnomAD (0/1,609,116 alleles). This variant has been identified in the compound heterozygous state with the pathogenic p.Arg2428Ter variant in an affected individual (PMID: 33717114). Based on the cumulative evidence, this variant is classified as Pathogenic. (PVS1, PM2_Supporting, PM3)

Labcorp Genetics (formerly Invitae), Labcorp
Classification: Pathogenic for Combined immunodeficiency due to LRBA deficiency. Last evaluated: 2025-03-27. Review status: criteria provided, single submitter. Criteria: Invitae Variant Classification Sherloc (09022015). Collection method: clinical testing. Allele origin: germline.
Comment: This sequence change creates a premature translational stop signal (p.Arg2139*) in the LRBA gene. It is expected to result in an absent or disrupted protein product. Loss-of-function variants in LRBA are known to be pathogenic (PMID: 26206937, 26768763). This variant is not present in population databases (gnomAD no frequency). This premature translational stop signal has been observed in individual(s) with LRBA deficiency (PMID: 33717114). For these reasons, this variant has been classified as Pathogenic.

Literature cited by the submitters: PubMed 26768763 (cited by Genelabs Medical  (pvt) Ltd and Labcorp Genetics (formerly Invitae), Labcorp); PubMed 33717114 (cited by Genelabs Medical  (pvt) Ltd and Labcorp Genetics (formerly Invitae), Labcorp); PubMed 26206937 (cited by Labcorp Genetics (formerly Invitae), Labcorp).

NM_001364905.1(LRBA):c.6382C>T (p.Arg2128Ter)

Gene: LRBA (LPS responsive beige-like anchor protein; minus strand). Cytogenetic location: 4q31.3.
Variant type: single nucleotide variant.
Coding change: c.6382C>T on transcript NM_001364905.1 (MANE Select); coding-DNA position 6382, C replaced by T.
Protein change: p.Arg2128Ter; replaces arginine 2128 with a stop codon.
Molecular consequence: nonsense.
Genome position (GRCh38, 1-based): chr4:150,490,984, G>A on the plus strand (C>T on the coding strand, the complement: LRBA is on the minus strand). VCF-style: chr4-150490984-G-A. GRCh37 (hg19) VCF-style: chr4-151412136-G-A.
Other names: c.6415C>T, p.Arg2139Ter (NM_001440430.1, NM_006726.5); c.6382C>T, p.Arg2128Ter (NM_001440431.1, NM_001199282.3, NM_001367550.1); c.85C>T, p.Arg29Ter (NM_001440432.1); c.79C>T, p.Arg27Ter (NM_001440433.1); short protein forms R27*, R2139*, R29*, R2128*.
Identifiers: ClinVar variation 4763783 (VCV004763783.2).